The following is an entry in ClinVar:

NM_013382.7(POMT2):c.1484+95A>G

Gene: POMT2 (protein O-mannosyltransferase 2; minus strand). Cytogenetic location: 14q24.3.
Variant type: single nucleotide variant.
Coding change: c.1484+95A>G on transcript NM_013382.7 (MANE Select); 95 bases into the intron after coding-DNA position 1484, A replaced by G.
Molecular consequence: intron variant.
Genome position (GRCh38, 1-based): chr14:77,285,386, T>C on the plus strand (A>G on the coding strand, the complement: POMT2 is on the minus strand). VCF-style: chr14-77285386-T-C. GRCh37 (hg19) VCF-style: chr14-77751729-T-C.
Identifiers: ClinVar variation 668036 (VCV000668036.2), dbSNP rs3815625, ClinGen allele CA13995989.

ClinVar aggregate classification (germline): Benign. Review status: criteria provided, multiple submitters, no conflicts (2 of 4 stars). 2 submissions from 2 submitters: Benign (2). Last evaluated 2018-06-14.

Allele frequency attached by ClinVar (database versions not stated): TOPMed 0.82803; gnomAD 0.83106 and 0.83173; 1000 Genomes Project 30x 0.85962; 1000 Genomes Project 0.86142.
gnomAD v4.1: 1,228,969 of 1,520,052 alleles (81%); highest among the groups gnomAD compares: East Asian, 96%; 498,226 homozygotes.

Submissions (2):

GeneDx
Classification: Benign. Last evaluated: 2018-06-14. Review status: criteria provided, single submitter. Criteria: GeneDx Variant Classification (06012015). Collection method: clinical testing. Allele origin: germline. Affected: yes.
Comment: This variant is considered likely benign or benign based on one or more of the following criteria: it is a conservative change, it occurs at a poorly conserved position in the protein, it is predicted to be benign by multiple in silico algorithms, and/or has population frequency not consistent with disease.

Breakthrough Genomics
Classification: Benign. Review status: criteria provided, single submitter. Criteria: ACMG Guidelines, 2015. Collection method: not provided. Allele origin: germline. Inheritance: Autosomal recessive inheritance. Affected: yes.